The following is an entry in ClinVar:

NM_001080413.3(NOBOX):c.126G>C (p.Leu42=)

Gene: NOBOX (NOBOX oogenesis homeobox; minus strand). Cytogenetic location: 7q35.
Variant type: single nucleotide variant.
Coding change: c.126G>C on transcript NM_001080413.3; coding-DNA position 126, G replaced by C.
Protein change: p.Leu42=; no amino-acid change (leucine 42 retained).
Genome position (GRCh38, 1-based): chr7:144,404,640, C>G on the plus strand (G>C on the coding strand, the complement: NOBOX is on the minus strand). VCF-style: chr7-144404640-C-G. GRCh37 (hg19) VCF-style: chr7-144101733-C-G.
Other names: NM_001080413.3:c.126G>C.
Identifiers: ClinVar variation 3044451 (VCV003044451.2), dbSNP rs2003479, ClinGen allele CA4544956.

ClinVar aggregate classification (germline): Benign (0 of 4 stars; one submission).

Conditions:
NOBOX-related disorder. Also called: NOBOX-related condition.

Allele frequency attached by ClinVar (database versions not stated): gnomAD exomes 0.00021; TOPMed 0.00228; 1000 Genomes Project 0.00240; ExAC 0.00060; ESP Exome Variant Server 0.00171; gnomAD 0.00190; 1000 Genomes Project 30x 0.00312.
gnomAD v4.1: 609 of 1,613,936 alleles (0.038%); highest among the groups gnomAD compares: African/African-American, 0.71%; 4 homozygotes.

Submission:

PreventionGenetics, part of Exact Sciences
Classification: Benign for NOBOX-related condition. Last evaluated: 2019-06-07. Review status: no assertion criteria provided. Collection method: clinical testing. Allele origin: germline.
Comment: This variant is classified as benign based on ACMG/AMP sequence variant interpretation guidelines (Richards et al. 2015 PMID: 25741868, with internal and published modifications).